The following is an entry in ClinVar:

ClinVar aggregate classification (germline): Uncertain significance (1 of 4 stars; one submission).

Conditions:
Congenital myasthenic syndrome 8. Also called: Myasthenic syndrome, congenital, 8, with pre- and postsynaptic defects; MYASTHENIC SYNDROME, CONGENITAL, DUE TO AGRIN DEFICIENCY. Identifiers: Orphanet 590, MedGen C3808739, MONDO:0014052, OMIM 615120.

gnomAD v4.1: 8 of 1,613,904 alleles (0.0005%); highest among the groups gnomAD compares: Non-Finnish European, 0.00068%; no homozygotes.

Submission:

Labcorp Genetics (formerly Invitae), Labcorp
Classification: Uncertain significance for Congenital myasthenic syndrome 8. Last evaluated: 2023-07-17. Review status: criteria provided, single submitter. Criteria: Invitae Variant Classification Sherloc (09022015). Collection method: clinical testing. Allele origin: germline.
Comment: This variant has not been reported in the literature in individuals affected with AGRN-related conditions. This sequence change replaces threonine, which is neutral and polar, with serine, which is neutral and polar, at codon 900 of the AGRN protein (p.Thr900Ser). This variant is not present in population databases (gnomAD no frequency). ClinVar contains an entry for this variant (Variation ID: 1945370). Algorithms developed to predict the effect of missense changes on protein structure and function output the following: SIFT: "Not Available"; PolyPhen-2: "Possibly Damaging"; Align-GVGD: "Not Available". The serine amino acid residue is found in multiple mammalian species, which suggests that this missense change does not adversely affect protein function. In summary, the available evidence is currently insufficient to determine the role of this variant in disease. Therefore, it has been classified as a Variant of Uncertain Significance.

NM_198576.4(AGRN):c.2699C>G (p.Thr900Ser)

Gene: AGRN (agrin; plus strand). Cytogenetic location: 1p36.33.
Variant type: single nucleotide variant.
Coding change: c.2699C>G on transcript NM_198576.4 (MANE Select); coding-DNA position 2699, C replaced by G.
Protein change: p.Thr900Ser; replaces threonine 900 with serine.
Molecular consequence: missense variant.
Genome position (GRCh38, 1-based): chr1:1,045,982, C>G. VCF-style: chr1-1045982-C-G. GRCh37 (hg19) VCF-style: chr1-981362-C-G.
Other names: c.2699C>G, p.Thr900Ser (NM_001305275.2); c.2384C>G, p.Thr795Ser (NM_001364727.2); short protein forms T795S, T900S.
Identifiers: ClinVar variation 1945370 (VCV001945370.5), dbSNP rs748026509, ClinGen allele CA16757522.